The following is an entry in ClinVar:

NM_198334.3(GANAB):c.2253G>A (p.Ala751=)

Gene: GANAB (glucosidase II alpha subunit; minus strand). Cytogenetic location: 11q12.3.
Variant type: single nucleotide variant.
Coding change: c.2253G>A on transcript NM_198334.3 (MANE Select); coding-DNA position 2253, G replaced by A.
Protein change: p.Ala751=; no amino-acid change (alanine 751 retained).
Molecular consequence: synonymous variant.
Genome position (GRCh38, 1-based): chr11:62,627,117, C>T on the plus strand (G>A on the coding strand, the complement: GANAB is on the minus strand). VCF-style: chr11-62627117-C-T. GRCh37 (hg19) VCF-style: chr11-62394589-C-T.
Other names: c.1977G>A, p.Ala659= (NM_001278192.2); c.1911G>A, p.Ala637= (NM_001278193.2); c.1962G>A, p.Ala654= (NM_001278194.2, NM_001329222.2, NM_001329223.2); c.1530G>A, p.Ala510= (NM_001329224.2, NM_001329225.2); c.2319G>A, p.Ala773= (NM_198335.4).
Identifiers: ClinVar variation 1333062 (VCV001333062.6), dbSNP rs200456484, ClinGen allele CA6050524.
Genomic context (GRCh38, chr11:62,627,117, plus strand): 5'-GCCAGGCAGATAGACCTGGACACCATGGGCTCCAGAGTCTGATACAGGGTGAACCAGCAA[C>T]GCATCCCCTAAAATATGCCAGAATCAACTCTGAATAGGGGGATTAGTTCCCAGAACAGGG-3'
Protein context (NP_938148.1, residues 741-761): NIDDQYLLGD[Ala751=]LLVHPVSDSG

ClinVar aggregate classification (germline): Benign/Likely benign. Review status: criteria provided, multiple submitters, no conflicts (2 of 4 stars). 4 submissions from 4 submitters: Benign (1); Likely benign (3). Last evaluated 2025-09-30.

Conditions:
Polycystic kidney disease 3 with or without polycystic liver disease. Also called: Polycystic kidney disease 3; POLYCYSTIC KIDNEY DISEASE, ADULT, TYPE III; Polycystic Kidney and/or Polycystic Liver Disease 3. Identifiers: MedGen C3887964, MONDO:0010916, OMIM 600666.
GANAB-related disorder. Also called: GANAB-related condition.

Allele frequency attached by ClinVar (database versions not stated): gnomAD 0.00016 and 0.00015; ExAC 0.00017; gnomAD exomes 0.00017; TOPMed 0.00012.
gnomAD v4.1: 169 of 1,613,134 alleles (0.01%); highest among the groups gnomAD compares: East Asian, 0.011%; no homozygotes.

Submissions (4):

PreventionGenetics, part of Exact Sciences
Classification: Likely benign for GANAB-related condition. Last evaluated: 2025-09-30. Review status: criteria provided, single submitter. Criteria: ACMG Guidelines, 2015. Collection method: clinical testing. Allele origin: germline.
Comment: This variant is classified as likely benign based on ACMG/AMP sequence variant interpretation guidelines (Richards et al. 2015 PMID: 25741868, with internal and published modifications).

Labcorp Genetics (formerly Invitae), Labcorp
Classification: Benign. Last evaluated: 2025-04-23. Review status: criteria provided, single submitter. Criteria: Invitae Variant Classification Sherloc (09022015). Collection method: clinical testing. Allele origin: germline.

Fulgent Genetics
Classification: Likely benign for Polycystic kidney disease 3 with or without polycystic liver disease. Last evaluated: 2022-05-08. Review status: criteria provided, single submitter. Criteria: ACMG Guidelines, 2015. Collection method: clinical testing. Allele origin: unknown.

GeneDx
Classification: Likely benign. Last evaluated: 2021-05-06. Review status: criteria provided, single submitter. Criteria: GeneDx Variant Classification Process June 2021. Collection method: clinical testing. Allele origin: germline. Affected: yes.
Comment: This variant is associated with the following publications: (PMID: 32398770)